The following is an entry in ClinVar:

NM_207122.2(EXT2):c.839T>A (p.Val280Glu)

Gene: EXT2 (exostosin glycosyltransferase 2; plus strand). Cytogenetic location: 11p11.2.
Variant type: single nucleotide variant.
Coding change: c.839T>A on transcript NM_207122.2 (MANE Select); coding-DNA position 839, T replaced by A.
Protein change: p.Val280Glu; replaces valine 280 with glutamic acid.
Molecular consequence: missense variant.
Genome position (GRCh38, 1-based): chr11:44,124,884, T>A. VCF-style: chr11-44124884-T-A. GRCh37 (hg19) VCF-style: chr11-44146434-T-A.
Other names: c.938T>A, p.Val313Glu (NM_000401.3); c.839T>A, p.Val280Glu (NM_001178083.3, NM_001389628.1, NM_001389630.1); short protein forms V280E, V313E.
Identifiers: ClinVar variation 1720221 (VCV001720221.6), dbSNP rs1954375668, ClinGen allele CA380167237.

ClinVar aggregate classification (germline): Uncertain significance (1 of 4 stars; one submission).

Conditions:
Exostoses, multiple, type 2 (EXT2). Also called: Hereditary Multiple Osteochondromatosis, Type II; EXOSTOSES, MULTIPLE, TYPE II. Identifiers: Orphanet 321, MedGen C1851413, MONDO:0007586, OMIM 133701.

Allele frequency attached by ClinVar (database versions not stated): TOPMed below 0.00001.

Submission:

Labcorp Genetics (formerly Invitae), Labcorp
Classification: Uncertain significance for Exostoses, multiple, type 2. Last evaluated: 2022-09-23. Review status: criteria provided, single submitter. Criteria: Invitae Variant Classification Sherloc (09022015). Collection method: clinical testing. Allele origin: germline.
Comment: This sequence change replaces valine, which is neutral and non-polar, with glutamic acid, which is acidic and polar, at codon 280 of the EXT2 protein (p.Val280Glu). This variant is not present in population databases (gnomAD no frequency). This variant has not been reported in the literature in individuals affected with EXT2-related conditions. Advanced modeling of protein sequence and biophysical properties (such as structural, functional, and spatial information, amino acid conservation, physicochemical variation, residue mobility, and thermodynamic stability) has been performed at Invitae for this missense variant, however the output from this modeling did not meet the statistical confidence thresholds required to predict the impact of this variant on EXT2 protein function. In summary, the available evidence is currently insufficient to determine the role of this variant in disease. Therefore, it has been classified as a Variant of Uncertain Significance.